The following is an entry in ClinVar:

ClinVar aggregate classification (germline): Pathogenic (1 of 4 stars; one submission).

Conditions:
Retinitis pigmentosa 25 (RP25). Identifiers: Orphanet 791, MedGen C1864446, MONDO:0011272, OMIM 602772.

Submission:

Myriad Genetics, Inc.
Classification: Pathogenic for Retinitis pigmentosa 25. Last evaluated: 2024-05-14. Review status: criteria provided, single submitter. Criteria: Myriad Autosomal Dominant, Autosomal Recessive and X-Linked Classification Criteria (2023). Collection method: clinical testing. Allele origin: unknown.
Comment: NM_001142800.1(EYS):c.5259T>A(Y1753*) is expected to be pathogenic in the context of retinitis pigmentosa, EYS-related. This variant is predicted to lead to an abnormal or absent protein product due to the creation of a premature termination codon in EYS, a gene where loss-of-function variants are known to be pathogenic. Please note: this variant was assessed in the context of healthy population screening.

NM_001142800.2(EYS):c.5259T>A (p.Tyr1753Ter)

Gene: EYS (EGF-like photoreceptor maintenance factor; minus strand). Cytogenetic location: 6q12.
Variant type: single nucleotide variant.
Coding change: c.5259T>A on transcript NM_001142800.2 (MANE Select); coding-DNA position 5259, T replaced by A.
Protein change: p.Tyr1753Ter; replaces tyrosine 1753 with a stop codon.
Molecular consequence: nonsense.
Genome position (GRCh38, 1-based): chr6:64,590,608, A>T on the plus strand (T>A on the coding strand, the complement: EYS is on the minus strand). VCF-style: chr6-64590608-A-T. GRCh37 (hg19) VCF-style: chr6-65300501-A-T.
Other names: c.5259T>A, p.Tyr1753Ter (NM_001292009.2); short protein forms Y1753*.
Identifiers: ClinVar variation 5010879 (VCV005010879.1).